The following is an entry in ClinVar:

ClinVar aggregate classification (germline): Conflicting classifications of pathogenicity. Review status: criteria provided, conflicting classifications (1 of 4 stars). 2 submissions from 2 submitters: Uncertain significance (1); Likely benign (1). Last evaluated 2025-08-11.

Allele frequency attached by ClinVar (database versions not stated): ExAC 0.00002; TOPMed 0.00002; ESP Exome Variant Server 0.00008.
gnomAD v4.1: 18 of 1,568,508 alleles (0.0011%); highest among the groups gnomAD compares: Middle Eastern, 0.017%; no homozygotes.

Submissions (2):

Ambry Genetics
Classification: Likely benign. Last evaluated: 2025-08-11. Review status: criteria provided, single submitter. Criteria: Ambry Variant Classification Scheme 2023. Collection method: clinical testing. Allele origin: germline.

Labcorp Genetics (formerly Invitae), Labcorp
Classification: Uncertain significance. Last evaluated: 2024-06-23. Review status: criteria provided, single submitter. Criteria: Invitae Variant Classification Sherloc (09022015). Collection method: clinical testing. Allele origin: germline.
Comment: This sequence change replaces proline, which is neutral and non-polar, with leucine, which is neutral and non-polar, at codon 566 of the SUCO protein (p.Pro566Leu). This variant is present in population databases (rs375738491, gnomAD 0.002%). This variant has not been reported in the literature in individuals affected with SUCO-related conditions. ClinVar contains an entry for this variant (Variation ID: 2103905). Algorithms developed to predict the effect of missense changes on protein structure and function output the following: SIFT: "Not Available"; PolyPhen-2: "Benign"; Align-GVGD: "Not Available". The leucine amino acid residue is found in multiple mammalian species, which suggests that this missense change does not adversely affect protein function. In summary, the available evidence is currently insufficient to determine the role of this variant in disease. Therefore, it has been classified as a Variant of Uncertain Significance.

NM_014283.5(SUCO):c.1697C>T (p.Pro566Leu)

Gene: SUCO (SUN domain containing ossification factor; plus strand). Cytogenetic location: 1q24.3.
Variant type: single nucleotide variant.
Coding change: c.1697C>T on transcript NM_014283.5 (MANE Select); coding-DNA position 1697, C replaced by T.
Protein change: p.Pro566Leu; replaces proline 566 with leucine.
Molecular consequence: missense variant.
Genome position (GRCh38, 1-based): chr1:172,588,798, C>T. VCF-style: chr1-172588798-C-T. GRCh37 (hg19) VCF-style: chr1-172557938-C-T.
Other names: c.1697C>T (NM_014283.3); c.1586C>T, p.Pro529Leu (NM_001282750.2); c.8C>T, p.Pro3Leu (NM_001282751.2); c.2150C>T, p.Pro717Leu (NM_016227.4); short protein forms P529L, P566L, P3L, P717L.
Identifiers: ClinVar variation 2103905 (VCV002103905.5), dbSNP rs375738491, ClinGen allele CA1246960.
Genomic context (GRCh38, chr1:172,588,798, plus strand): 5'-ATTATGATATATGTATTTCTAGGTATGTAACCACTGAAGTACACACACATGACATGGAGC[C>T]GTCAACACCAGATACTCCAAAAGAGAGTCCCATTGTACAGTTAGTTCAAGAGGAGGAAGA-3'
Protein context (NP_055098.1, residues 556-576): TTEVHTHDME[Pro566Leu]STPDTPKESP